The following is an entry in ClinVar:

ClinVar aggregate classification (germline): Uncertain significance (1 of 4 stars; one submission).

Conditions:
Developmental and epileptic encephalopathy, 21 (DEE21). Also called: Early infantile epileptic encephalopathy 21. Identifiers: Orphanet 442835, MedGen C4014430, MONDO:0014360, OMIM 615833.

Submission:

Labcorp Genetics (formerly Invitae), Labcorp
Classification: Uncertain significance for Developmental and epileptic encephalopathy, 21. Last evaluated: 2021-03-26. Review status: criteria provided, single submitter. Criteria: Invitae Variant Classification Sherloc (09022015). Collection method: clinical testing. Allele origin: germline.
Comment: This variant is not present in population databases (ExAC no frequency). In summary, the available evidence is currently insufficient to determine the role of this variant in disease. Therefore, it has been classified as a Variant of Uncertain Significance. Nucleotide substitutions within the consensus splice site are a relatively common cause of aberrant splicing (PMID: 17576681, 9536098). Algorithms developed to predict the effect of sequence changes on RNA splicing suggest that this variant may disrupt the consensus splice site, but this prediction has not been confirmed by published transcriptional studies. Algorithms developed to predict the effect of missense changes on protein structure and function are either unavailable or do not agree on the potential impact of this missense change (SIFT: "Not Available"; PolyPhen-2: "Possibly Damaging"; Align-GVGD: "Not Available"). This variant has not been reported in the literature in individuals with NECAP1-related conditions. This sequence change replaces serine with asparagine at codon 260 of the NECAP1 protein (p.Ser260Asn). The serine residue is moderately conserved and there is a small physicochemical difference between serine and asparagine. This variant also falls at the last nucleotide of exon 7, which is part of the consensus splice site for this exon.

Literature cited by the submitters: PubMed 17576681; PubMed 9536098.

NM_015509.4(NECAP1):c.779G>A (p.Ser260Asn)

Gene: NECAP1 (NECAP endocytosis associated 1; plus strand). Cytogenetic location: 12p13.31.
Variant type: single nucleotide variant.
Coding change: c.779G>A on transcript NM_015509.4 (MANE Select); coding-DNA position 779, G replaced by A.
Protein change: p.Ser260Asn; replaces serine 260 with asparagine.
Molecular consequence: missense variant. On other transcripts: non-coding transcript variant (1).
Genome position (GRCh38, 1-based): chr12:8,095,703, G>A. VCF-style: chr12-8095703-G-A. GRCh37 (hg19) VCF-style: chr12-8248299-G-A.
Other names: short protein forms S260N.
Identifiers: ClinVar variation 1520144 (VCV001520144.6), dbSNP rs2120495561, ClinGen allele CA383802779.